The following is an entry in ClinVar:

NM_001267550.2(TTN):c.64123G>A (p.Val21375Met)

Genes: TTN (titin; minus strand), TTN-AS1 (TTN antisense RNA 1; plus strand). Cytogenetic location: 2q31.2.
Variant type: single nucleotide variant.
Coding change: c.64123G>A on transcript NM_001267550.2 (MANE Select); coding-DNA position 64123, G replaced by A.
Protein change: p.Val21375Met; replaces valine 21375 with methionine.
Molecular consequence: missense variant.
Genome position (GRCh38, 1-based): chr2:178,586,778, C>T on the plus strand (G>A on the coding strand, the complement: TTN is on the minus strand). VCF-style: chr2-178586778-C-T. GRCh37 (hg19) VCF-style: chr2-179451505-C-T.
Other names: c.59200G>A, p.Val19734Met (NM_001256850.1); c.36928G>A, p.Val12310Met (NM_003319.4); c.56419G>A, p.Val18807Met (NM_133378.4); c.37303G>A, p.Val12435Met (NM_133432.3); c.37504G>A, p.Val12502Met (NM_133437.4); short protein forms V19734M, V21375M, V12502M, V18807M, V12310M, V12435M.
Identifiers: ClinVar variation 450985 (VCV000450985.4), dbSNP rs371670651, ClinGen allele CA1991948.

ClinVar aggregate classification (germline): Conflicting classifications of pathogenicity. Review status: criteria provided, conflicting classifications (1 of 4 stars). 2 submissions from 2 submitters: Uncertain significance (1); Likely benign (1). Last evaluated 2024-02-02.

Conditions:
Autosomal recessive limb-girdle muscular dystrophy type 2J (LGMDR10). Also called: Limb-girdle muscular dystrophy, type 2J; MUSCULAR DYSTROPHY, LIMB-GIRDLE, AUTOSOMAL RECESSIVE 10. Identifiers: Orphanet 140922, MedGen C1837342, MONDO:0012127, OMIM 608807.
Dilated cardiomyopathy 1G (CMD1G). Identifiers: Orphanet 154, MedGen C1858763, MONDO:0011400, OMIM 604145.
Myopathy, myofibrillar, 9, with early respiratory failure (MFM9). Also called: EDSTROM MYOPATHY; MYOPATHY, PROXIMAL, WITH EARLY RESPIRATORY MUSCLE INVOLVEMENT; Hereditary myopathy with early respiratory failure; Myopathy, distal, with early respiratory failure, autosomal dominant. Identifiers: Orphanet 178464, Orphanet 34521, MedGen C1863599, MONDO:0011362, OMIM 603689.
Hypertrophic cardiomyopathy 9. Also called: Familial hypertrophic cardiomyopathy 9. Identifiers: MedGen C1861065, MONDO:0013412, OMIM 613765.
Early-onset myopathy with fatal cardiomyopathy (CMYO5). Also called: Salih Myopathy; CONGENITAL MYOPATHY 5 WITH CARDIOMYOPATHY. Identifiers: Orphanet 289377, MedGen C2673677, MONDO:0012714, OMIM 611705. Disease mechanism: loss of function.
Tibial muscular dystrophy (TMD). Also called: UDD MYOPATHY; Tibial muscular dystrophy, tardive; Udd Distal Myopathy – Tibial Muscular Dystrophy. Identifiers: Orphanet 609, MedGen C1838244, MONDO:0010870, OMIM 600334.

Allele frequency attached by ClinVar (database versions not stated): ExAC 0.00001; gnomAD exomes 0.00003; TOPMed 0.00006; gnomAD 0.00007; ESP Exome Variant Server 0.00008.
gnomAD v4.1: 34 of 1,612,674 alleles (0.0021%); highest among the groups gnomAD compares: Admixed American, 0.017%; no homozygotes.

Submissions (2):

Fulgent Genetics
Classification: Uncertain significance for Tibial muscular dystrophy; Myopathy, myofibrillar, 9, with early respiratory failure; Dilated cardiomyopathy 1G; Autosomal recessive limb-girdle muscular dystrophy type 2J; Early-onset myopathy with fatal cardiomyopathy; Hypertrophic cardiomyopathy 9. Last evaluated: 2024-02-02. Review status: criteria provided, single submitter. Criteria: ACMG Guidelines, 2015. Collection method: clinical testing. Allele origin: germline.

GeneDx
Classification: Likely benign. Last evaluated: 2018-09-24. Review status: criteria provided, single submitter. Criteria: GeneDx Variant Classification Process June 2021. Collection method: clinical testing. Allele origin: germline. Affected: yes.
Comment: This variant is associated with the following publications: (PMID: 27321809)